The following is an entry in ClinVar:

ClinVar aggregate classification (germline): Pathogenic (1 of 4 stars; one submission).

Conditions:
Renal cysts and diabetes syndrome (RCAD). Also called: MATURITY-ONSET DIABETES OF THE YOUNG, TYPE 5; Familial hypoplastic, glomerulocystic kidney. Identifiers: Orphanet 93111, MedGen C0431693, MONDO:0007669, OMIM 137920.

Submission:

Victorian Clinical Genetics Services, Murdoch Childrens Research Institute
Classification: Pathogenic for Renal cysts and diabetes syndrome. Last evaluated: 2024-10-11. Review status: criteria provided, single submitter. Criteria: ACMG Guidelines, 2015. Collection method: clinical testing. Allele origin: germline. Inheritance: Autosomal dominant inheritance. Affected: yes.
Comment: Based on the classification scheme VCGS_Germline_v1.3.5, this variant is classified as Pathogenic. Following criteria are met: 0103 - Dominant negative, loss of function, and gain of function are all reported mechanisms of disease in this gene and are associated with type 2 diabetes mellitus (MIM#125853) and renal cysts and diabetes syndrome (MIM#137920; OMIM, PMID: 25536396, 11845238, 15509593). (I) 0107 - This gene is associated with autosomal dominant disease. (I) 0115 - Variants in this gene are known to have variable expressivity. There is significant interfamilial and intrafamilial variability of HNF1B-related nephropathy (PMID: 33305128). (I) 0201 - Variant is predicted to cause nonsense-mediated decay (NMD) and loss of protein (premature termination codon is located at least 54 nucleotides upstream of the final exon-exon junction). (SP) 0251 - This variant is heterozygous. (I) 0301 - Variant is absent from gnomAD (v2, v3 and v4). (SP) 0701 - Other NMD-predicted variants comparable to the one identified in this case have very strong previous evidence for pathogenicity (DECIPHER). (SP) 0807 - This variant has no previous evidence of pathogenicity. (I) 0905 - No published segregation evidence has been identified for this variant. (I) 1007 - No published functional evidence has been identified for this variant. (I) 1208 - Inheritance information for this variant is not currently available in this individual. (I) Legend: (SP) - Supporting pathogenic, (I) - Information, (SB) - Supporting benign

Literature cited by the submitters: PubMed 11845238; PubMed 15509593; PubMed 25536396; PubMed 33305128.

NM_000458.4(HNF1B):c.71dup (p.Val25fs)

Gene: HNF1B (HNF1 homeobox B; minus strand). Cytogenetic location: 17q12.
Variant type: Duplication.
Coding change: c.71dup on transcript NM_000458.4 (MANE Select); coding-DNA position 71, one base duplicated (A; older notation c.71dupA).
Protein change: p.Val25fs; shifts the reading frame from valine 25.
Molecular consequence: frameshift variant.
Genome position (GRCh38, 1-based): chr17:37,744,814, T duplicated on the plus strand (A on the coding strand, the reverse complement: HNF1B is on the minus strand). VCF-style (leftmost placement, unchanged base first): chr17-37744813-C-CT. GRCh37 (hg19) VCF-style: chr17-36104804-C-CT.
Other names: c.71dup, p.Val25fs (NM_001165923.4, NM_001304286.2, NM_001411100.1); short protein forms V25fs.
Identifiers: ClinVar variation 3377263 (VCV003377263.1).
Genomic context (GRCh38, chr17:37,744,813, plus strand): 5'-CTCCAGCTTCACCCCGAAGTTCGGGGATGGCAGCAACTCCTCCAAGGCCTGAACCAGCAC[C>CT]TCCTTGGTGACCCCGGAGCTCAGCAGGGCGCTCAGGAGTTCTTGCTGGAGCGACGTGAGC-3'